The following is an entry in ClinVar:

NM_033305.3(VPS13A):c.5961T>G (p.Ser1987Arg)

Gene: VPS13A (vacuolar protein sorting 13 homolog A; plus strand). Cytogenetic location: 9q21.2.
Variant type: single nucleotide variant.
Coding change: c.5961T>G on transcript NM_033305.3 (MANE Select); coding-DNA position 5961, T replaced by G.
Protein change: p.Ser1987Arg; replaces serine 1987 with arginine.
Molecular consequence: missense variant.
Genome position (GRCh38, 1-based): chr9:77,323,197, T>G. VCF-style: chr9-77323197-T-G. GRCh37 (hg19) VCF-style: chr9-79938113-T-G.
Other names: c.5844T>G, p.Ser1948Arg (NM_001018037.2); c.5961T>G, p.Ser1987Arg (NM_001018038.3, NM_015186.4); short protein forms S1948R, S1987R.
Identifiers: ClinVar variation 1969208 (VCV001969208.5), dbSNP rs1587581257, ClinGen allele CA373865566.

ClinVar aggregate classification (germline): Uncertain significance (1 of 4 stars; one submission).

Allele frequency attached by ClinVar (database versions not stated): gnomAD exomes below 0.00001.
gnomAD v4.1: 2 of 1,613,446 alleles (0.00012%); highest among the groups gnomAD compares: Non-Finnish European, 0.000085%; no homozygotes.

Submission:

Labcorp Genetics (formerly Invitae), Labcorp
Classification: Uncertain significance. Last evaluated: 2022-07-23. Review status: criteria provided, single submitter. Criteria: Invitae Variant Classification Sherloc (09022015). Collection method: clinical testing. Allele origin: germline.
Comment: This sequence change replaces serine, which is neutral and polar, with arginine, which is basic and polar, at codon 1987 of the VPS13A protein (p.Ser1987Arg). This variant is not present in population databases (gnomAD no frequency). This variant has not been reported in the literature in individuals affected with VPS13A-related conditions. Algorithms developed to predict the effect of missense changes on protein structure and function are either unavailable or do not agree on the potential impact of this missense change (SIFT: "Deleterious"; PolyPhen-2: "Possibly Damaging"; Align-GVGD: "Class C0"). In summary, the available evidence is currently insufficient to determine the role of this variant in disease. Therefore, it has been classified as a Variant of Uncertain Significance.